The following is an entry in ClinVar:

NM_001379110.1(SLC9A6):c.-56-40G>C

Genes: SLC9A6 (solute carrier family 9 member A6; plus strand), LOC130068746 (ATAC-STARR-seq lymphoblastoid silent region 21025; plus strand). Cytogenetic location: Xq26.3.
Variant type: single nucleotide variant.
Coding change: c.-56-40G>C on transcript NM_001379110.1 (MANE Select); 40 bases into the intron before 56 bases upstream of the start codon, G replaced by C.
Molecular consequence: intron variant. On other transcripts: missense variant (2).
Genome position (GRCh38, 1-based): chrX:135,985,563, G>C. VCF-style: chrX-135985563-G-C. GRCh37 (hg19) VCF-style: chrX-135067722-G-C.
Other names: c.61G>C, p.Ala21Pro (NM_001042537.2, NM_006359.3); c.-56-40G>C (NM_001177651.2, NM_001330652.2); short protein forms A21P.
Identifiers: ClinVar variation 453151 (VCV000453151.2), dbSNP rs1556614734, ClinGen allele CA414606436.
Genomic context (GRCh38, chrX:135,985,563, plus strand): 5'-ATGGCTCGGCGCGGCTGGCGGCGGGCACCCCTCCGCCGTGGCGTCGGCAGCAGTCCCCGA[G>C]CCCGCAGGCTCATGCGGCCCCTTTGGTTGCTCCTCGCAGTGGGCGTCTTTGACTGGGCAG-3'

ClinVar aggregate classification (germline): Uncertain significance (1 of 4 stars; one submission).

Allele frequency attached by ClinVar (database versions not stated): gnomAD 0.00001.
gnomAD v4.1: 1 of 1,193,790 alleles (0.000084%); highest among the groups gnomAD compares: African/African-American, 0.0018%; no homozygotes.

Submission:

GeneDx
Classification: Uncertain significance. Last evaluated: 2017-11-07. Review status: criteria provided, single submitter. Criteria: GeneDx Variant Classification (06012015). Collection method: clinical testing. Allele origin: germline. Affected: yes.
Comment: The A21P variant in the SLC9A6 gene has not been reported previously as a pathogenic variant, nor as a benign variant, to our knowledge. The A21P variant is not observed in large population cohorts (Lek et al., 2016). The A21P variant a semi-conservative amino acid substitution, which occurs at a position that is not conserved. In silico analysis predicts this variant likely does not alter the protein structure/function. We interpret A21P as a variant of uncertain significance